The following is an entry in ClinVar:

NM_206933.4(USH2A):c.3892_3899del (p.Gln1298fs)

Genes: USH2A (usherin; minus strand), USH2A-AS1 (USH2A antisense RNA 1; plus strand). Cytogenetic location: 1q41.
Variant type: Deletion.
Coding change: c.3892_3899del on transcript NM_206933.4 (MANE Select); coding-DNA positions 3892 to 3899, 8 bases deleted (CAGAGCAG; older notation c.3892_3899delCAGAGCAG).
Protein change: p.Gln1298fs; shifts the reading frame from glutamine 1298.
Molecular consequence: frameshift variant.
Genome position (GRCh38, 1-based): chr1:216,198,497-216,198,504, CTGCTCTG deleted on the plus strand (CAGAGCAG on the coding strand, the reverse complement: USH2A is on the minus strand). VCF-style (leftmost placement, unchanged base first): chr1-216198496-ACTGCTCTG-A. GRCh37 (hg19) VCF-style: chr1-216371838-ACTGCTCTG-A.
Other names: c.3892_3899del, p.Gln1298fs (NM_007123.6); short protein forms Q1298fs.
Identifiers: ClinVar variation 1725381 (VCV001725381.2), dbSNP rs2528041806, ClinGen allele CA2580062126.

ClinVar aggregate classification (germline): Likely pathogenic (1 of 4 stars; one submission).

Conditions:
Usher syndrome type 2A. Also called: RETINAL DISEASE IN USHER SYNDROME TYPE IIA, MODIFIER OF; USHER SYNDROME, TYPE IIA. Identifiers: Orphanet 231178, Orphanet 886, MedGen C1848634, MONDO:0010169, OMIM 276901.

Submission:

Myriad Genetics, Inc.
Classification: Likely pathogenic for Usher syndrome type 2A. Last evaluated: 2022-03-17. Review status: criteria provided, single submitter. Criteria: Myriad Women's Health Autosomal Recessive and X-Linked Classification Criteria (2021). Collection method: clinical testing. Allele origin: unknown.
Comment: NM_206933.2(USH2A):c.3892_3899del8(Q1298Wfs*14) is expected to be pathogenic in the context of USH2A-related disorders. This variant is predicted to lead to an abnormal or absent protein product due to the creation of a premature termination codon in USH2A, a gene where loss-of-function variants are known to be pathogenic. Please note: this variant was assessed in the context of healthy population screening.